The following is an entry in ClinVar:

NM_173495.3(PTCHD1):c.1667T>C (p.Ile556Thr)

Gene: PTCHD1 (patched domain containing 1; plus strand). Cytogenetic location: Xp22.11.
Variant type: single nucleotide variant.
Coding change: c.1667T>C on transcript NM_173495.3 (MANE Select); coding-DNA position 1667, T replaced by C.
Protein change: p.Ile556Thr; replaces isoleucine 556 with threonine.
Molecular consequence: missense variant.
Genome position (GRCh38, 1-based): chrX:23,393,185, T>C. VCF-style: chrX-23393185-T-C. GRCh37 (hg19) VCF-style: chrX-23411302-T-C.
Other names: short protein forms I556T.
Identifiers: ClinVar variation 3371848 (VCV003371848.1).

ClinVar aggregate classification (germline): Uncertain significance (1 of 4 stars; one submission).

Submission:

GeneDx
Classification: Uncertain significance. Last evaluated: 2024-04-03. Review status: criteria provided, single submitter. Criteria: GeneDx Variant Classification Process June 2021. Collection method: clinical testing. Allele origin: germline. Affected: yes.
Comment: Not observed at significant frequency in large population cohorts (gnomAD); In silico analysis supports that this missense variant has a deleterious effect on protein structure/function; Has not been previously published as pathogenic or benign to our knowledge